The following is an entry in ClinVar:

ClinVar aggregate classification (germline): Likely pathogenic (1 of 4 stars; one submission).

Submission:

GeneDx
Classification: Likely pathogenic. Last evaluated: 2019-09-03. Review status: criteria provided, single submitter. Criteria: GeneDx Variant Classification Process June 2021. Collection method: clinical testing. Allele origin: germline. Affected: yes.
Comment: Not observed in large population cohorts (Lek et al., 2016); In silico analysis, which includes protein predictors and evolutionary conservation, supports a deleterious effect; Has not been previously published as pathogenic or benign to our knowledge

NM_001845.6(COL4A1):c.2861G>C (p.Gly954Ala)

Gene: COL4A1 (collagen type IV alpha 1 chain; minus strand). Cytogenetic location: 13q34.
Variant type: single nucleotide variant.
Coding change: c.2861G>C on transcript NM_001845.6 (MANE Select); coding-DNA position 2861, G replaced by C.
Protein change: p.Gly954Ala; replaces glycine 954 with alanine.
Molecular consequence: missense variant.
Genome position (GRCh38, 1-based): chr13:110,176,893, C>G on the plus strand (G>C on the coding strand, the complement: COL4A1 is on the minus strand). VCF-style: chr13-110176893-C-G. GRCh37 (hg19) VCF-style: chr13-110829240-C-G.
Other names: short protein forms G954A.
Identifiers: ClinVar variation 1223474 (VCV001223474.3), dbSNP rs2139162968, ClinGen allele CA388666710.